The following is an entry in ClinVar:

ClinVar aggregate classification (germline): Likely benign. Review status: criteria provided, multiple submitters, no conflicts (2 of 4 stars). 2 submissions from 2 submitters: Likely benign (2). Last evaluated 2018-06-16.

Allele frequency attached by ClinVar (database versions not stated): gnomAD 0.00886 and 0.00938; 1000 Genomes Project 0.01018; TOPMed 0.01026; 1000 Genomes Project 30x 0.01156.
gnomAD v4.1: 1,983 of 858,186 alleles (0.23%); highest among the groups gnomAD compares: African/African-American, 3%; 23 homozygotes.

Submissions (2):

GeneDx
Classification: Likely benign. Last evaluated: 2018-06-16. Review status: criteria provided, single submitter. Criteria: GeneDx Variant Classification (06012015). Collection method: clinical testing. Allele origin: germline. Affected: yes.
Comment: This variant is considered likely benign or benign based on one or more of the following criteria: it is a conservative change, it occurs at a poorly conserved position in the protein, it is predicted to be benign by multiple in silico algorithms, and/or has population frequency not consistent with disease.

Breakthrough Genomics
Classification: Likely benign. Review status: criteria provided, single submitter. Criteria: ACMG Guidelines, 2015. Collection method: not provided. Allele origin: germline. Inheritance: Autosomal recessive inheritance. Affected: yes.

NM_001122955.4(BSCL2):c.486+123G>A

Genes: BSCL2 (BSCL2 lipid droplet biogenesis associated, seipin; minus strand), HNRNPUL2-BSCL2 (HNRNPUL2-BSCL2 readthrough (NMD candidate); minus strand). Cytogenetic location: 11q12.3.
Variant type: single nucleotide variant.
Coding change: c.486+123G>A on transcript NM_001122955.4 (MANE Select); 123 bases into the intron after coding-DNA position 486, G replaced by A.
Molecular consequence: intron variant.
Genome position (GRCh38, 1-based): chr11:62,702,345, C>T on the plus strand (G>A on the coding strand, the complement: BSCL2 is on the minus strand). VCF-style: chr11-62702345-C-T. GRCh37 (hg19) VCF-style: chr11-62469817-C-T.
Other names: c.294+123G>A (NM_001130702.2, NM_032667.6); c.486+123G>A (NM_001386028.1, NM_001386027.1).
Identifiers: ClinVar variation 677263 (VCV000677263.2), dbSNP rs142930529, ClinGen allele CA223638799.